The following is an entry in ClinVar:

ClinVar aggregate classification (germline): Uncertain significance. Review status: criteria provided, multiple submitters, no conflicts (2 of 4 stars). 2 submissions from 2 submitters: Uncertain significance (2). Last evaluated 2022-12-14.

Conditions:
Familial cancer of breast. Also called: BREAST CANCER, FAMILIAL; Hereditary breast cancer; hereditary breast carcinoma. Identifiers: Orphanet 227535, MedGen C0346153, MONDO:0016419, OMIM 114480. Disease mechanism: loss of function.
Hereditary cancer-predisposing syndrome. Also called: Neoplastic Syndromes, Hereditary; Tumor predisposition; Hereditary Cancer Syndrome; Hereditary neoplastic syndrome. Identifiers: Orphanet 140162, MedGen C0027672, MeSH D009386, MONDO:0015356.

Allele frequency attached by ClinVar (database versions not stated): gnomAD exomes below 0.00001.
gnomAD v4.1: 1 of 1,613,540 alleles (0.000062%); highest among the groups gnomAD compares: Non-Finnish European, 0.000085%; no homozygotes.

Submissions (2):

Labcorp Genetics (formerly Invitae), Labcorp
Classification: Uncertain significance for Familial cancer of breast. Last evaluated: 2022-12-14. Review status: criteria provided, single submitter. Criteria: Invitae Variant Classification Sherloc (09022015). Collection method: clinical testing. Allele origin: germline.
Comment: In summary, the available evidence is currently insufficient to determine the role of this variant in disease. Therefore, it has been classified as a Variant of Uncertain Significance. Algorithms developed to predict the effect of missense changes on protein structure and function are either unavailable or do not agree on the potential impact of this missense change (SIFT: "Deleterious"; PolyPhen-2: "Probably Damaging"; Align-GVGD: "Class C15"). ClinVar contains an entry for this variant (Variation ID: 482046). This variant has not been reported in the literature in individuals affected with PALB2-related conditions. This variant is not present in population databases (gnomAD no frequency). This sequence change replaces glutamic acid, which is acidic and polar, with lysine, which is basic and polar, at codon 1120 of the PALB2 protein (p.Glu1120Lys).

Ambry Genetics
Classification: Uncertain significance for Hereditary cancer-predisposing syndrome. Last evaluated: 2019-04-09. Review status: criteria provided, single submitter. Criteria: Ambry Variant Classification Scheme 2023. Collection method: clinical testing. Allele origin: germline.
Comment: The p.E1120K variant (also known as c.3358G>A), located in coding exon 13 of the PALB2 gene, results from a G to A substitution at nucleotide position 3358. The glutamic acid at codon 1120 is replaced by lysine, an amino acid with similar properties. This amino acid position is highly conserved in available vertebrate species. In addition, this alteration is predicted to be tolerated by in silico analysis. Since supporting evidence is limited at this time, the clinical significance of this alteration remains unclear.

NM_024675.4(PALB2):c.3358G>A (p.Glu1120Lys)

Gene: PALB2 (partner and localizer of BRCA2; minus strand). Cytogenetic location: 16p12.2.
Variant type: single nucleotide variant.
Coding change: c.3358G>A on transcript NM_024675.4 (MANE Select); coding-DNA position 3358, G replaced by A.
Protein change: p.Glu1120Lys; replaces glutamic acid 1120 with lysine.
Molecular consequence: missense variant.
Genome position (GRCh38, 1-based): chr16:23,603,662, C>T on the plus strand (G>A on the coding strand, the complement: PALB2 is on the minus strand). VCF-style: chr16-23603662-C-T. GRCh37 (hg19) VCF-style: chr16-23614983-C-T.
Other names: short protein forms E1120K.
Identifiers: ClinVar variation 482046 (VCV000482046.16), dbSNP rs876658773, ClinGen allele CA395138401.